The following is an entry in ClinVar:

NM_201253.3(CRB1):c.664G>A (p.Glu222Lys)

Gene: CRB1 (crumbs cell polarity complex component 1; plus strand). Cytogenetic location: 1q31.3.
Variant type: single nucleotide variant.
Coding change: c.664G>A on transcript NM_201253.3 (MANE Select); coding-DNA position 664, G replaced by A.
Protein change: p.Glu222Lys; replaces glutamic acid 222 with lysine.
Molecular consequence: missense variant. On other transcripts: non-coding transcript variant (2), intron variant (1).
Genome position (GRCh38, 1-based): chr1:197,344,292, G>A. VCF-style: chr1-197344292-G-A. GRCh37 (hg19) VCF-style: chr1-197313422-G-A.
Other names: c.457G>A, p.Glu153Lys (NM_001257965.2); c.664G>A, p.Glu222Lys (NM_001257966.2); c.653-12539G>A (NM_001193640.2); short protein forms E222K, E153K.
Identifiers: ClinVar variation 294668 (VCV000294668.39), dbSNP rs114846212, ClinGen allele CA1311688.
Genomic context (GRCh38, chr1:197,344,292, plus strand): 5'-CACTTTGCTAAAACTTTTTCTGTTTTTTCTGTGCTGACTTTTTTAAAAGGTGTAAACTGT[G>A]AATTGGAAATTGACGAATGTTGGTCCCAGCCTTGTTTAAATGGTGCAACTTGTCAGGATG-3'
Protein context (NP_957705.1, residues 212-232): CPHNYSGVNC[Glu222Lys]LEIDECWSQP

ClinVar aggregate classification (germline): Conflicting classifications of pathogenicity. Review status: criteria provided, conflicting classifications (1 of 4 stars). 13 submissions from 9 submitters: Uncertain significance (2); Benign (1); Likely benign (8). 2 of the submissions do not count toward it. Last evaluated 2026-01-20.

Conditions:
CRB1-related disorder. Also called: CRB1-related condition; CRB1-related disorders.
Retinal dystrophy. Also called: Inherited retinal dystrophy. Identifiers: Orphanet 71862, MedGen C0854723, MeSH D058499, MONDO:0019118, HP:0000556.
Retinitis pigmentosa 12 (RP12). Also called: RP WITH OR WITHOUT PRESERVED PARAARTERIOLE RETINAL PIGMENT EPITHELIUM; RETINITIS PIGMENTOSA WITH OR WITHOUT PARAARTERIOLAR PRESERVATION OF RETINAL PIGMENT EPITHELIUM; RP WITH OR WITHOUT PPRPE. Identifiers: Orphanet 791, MedGen C1838647, MONDO:0010818, OMIM 600105.
Leber congenital amaurosis 8 (LCA8). Identifiers: Orphanet 65, MedGen C3151202, MONDO:0013453, OMIM 613835.
Retinitis pigmentosa (RP). Identifiers: Orphanet 791, MedGen C0035334, MeSH D012174, MONDO:0019200, OMIM 268000. Inheritance: Autosomal dominant, autosomal recessive and X linked inheritance.
Leber congenital amaurosis (LCA). Also called: Leber's amaurosis. Identifiers: Orphanet 65, MedGen C0339527, MeSH D057130, MONDO:0018998.
Pigmented paravenous retinochoroidal atrophy. Identifiers: Orphanet 251295, MedGen C1868310, MONDO:0008246, OMIM 172870.

Allele frequency attached by ClinVar (database versions not stated): gnomAD 0.00014 and 0.00019; gnomAD exomes 0.00026 and 0.00070; TOPMed 0.00037; ExAC 0.00067; 1000 Genomes Project 0.00140; 1000 Genomes Project 30x 0.00156.
gnomAD v4.1: 408 of 1,614,134 alleles (0.025%); highest among the groups gnomAD compares: East Asian, 0.87%; 2 homozygotes.

Submissions (13):

Labcorp Genetics (formerly Invitae), Labcorp
Classification: Benign for Leber congenital amaurosis 8; Retinitis pigmentosa 12. Last evaluated: 2026-01-20. Review status: criteria provided, single submitter. Criteria: Invitae Variant Classification Sherloc (09022015). Collection method: clinical testing. Allele origin: germline.

Blueprint Genetics
Classification: Likely benign. Last evaluated: 2024-11-04. Review status: criteria provided, single submitter. Criteria: ACMG Guidelines, 2015. Collection method: clinical testing. Allele origin: germline.

CeGaT Center for Human Genetics Tuebingen
Classification: Uncertain significance. Last evaluated: 2024-05-01. Review status: criteria provided, single submitter. Criteria: CeGaT Center For Human Genetics Tuebingen Variant Classification Criteria Version 2. Collection method: clinical testing. Allele origin: germline. Affected: yes. Observed: 1 variant allele.

Dept Of Ophthalmology, Nagoya University
Classification: Likely benign for Retinal dystrophy. Last evaluated: 2023-10-01. Review status: criteria provided, single submitter. Criteria: Submitter's publication. Collection method: research. Allele origin: germline. Affected: yes.

Genome-Nilou Lab
Classification: Likely benign for Leber congenital amaurosis 8. Last evaluated: 2023-04-11. Review status: criteria provided, single submitter. Criteria: ACMG Guidelines, 2015. Collection method: clinical testing. Allele origin: germline. Affected: no.

Genome-Nilou Lab
Classification: Likely benign for Pigmented paravenous retinochoroidal atrophy. Last evaluated: 2023-04-11. Review status: criteria provided, single submitter. Criteria: ACMG Guidelines, 2015. Collection method: clinical testing. Allele origin: germline. Affected: no.

Genome-Nilou Lab
Classification: Likely benign for Retinitis pigmentosa 12. Last evaluated: 2023-04-11. Review status: criteria provided, single submitter. Criteria: ACMG Guidelines, 2015. Collection method: clinical testing. Allele origin: germline. Affected: no.

Institute of Human Genetics, Univ. Regensburg, Univ. Regensburg
Classification: Uncertain significance for Retinal dystrophy. Last evaluated: 2018-01-01. Review status: criteria provided, single submitter. Criteria: ACMG Guidelines, 2015. Collection method: clinical testing. Allele origin: germline. Affected: yes.

Illumina Laboratory Services, Illumina
Classification: Likely benign for Retinitis pigmentosa. Last evaluated: 2017-04-27. Review status: criteria provided, single submitter. Criteria: ICSL Variant Classification Criteria 13 December 2019. Collection method: clinical testing. Allele origin: germline.
Comment: This variant was observed as part of a predisposition screen in an ostensibly healthy population. A literature search was performed for the gene, cDNA change, and amino acid change (where applicable). No publications were found based on this search. Allele frequency data from public databases allowed determination this variant is unlikely to cause disease. Therefore, this variant is classified as likely benign.

Illumina Laboratory Services, Illumina
Classification: Likely benign for Pigmented paravenous retinochoroidal atrophy. Last evaluated: 2017-04-27. Review status: criteria provided, single submitter. Criteria: ICSL Variant Classification Criteria 13 December 2019. Collection method: clinical testing. Allele origin: germline.
Comment: the same text as in the submission from Illumina Laboratory Services, Illumina above.

Illumina Laboratory Services, Illumina
Classification: Likely benign for Leber congenital amaurosis 8. Last evaluated: 2017-04-27. Review status: criteria provided, single submitter. Criteria: ICSL Variant Classification Criteria 13 December 2019. Collection method: clinical testing. Allele origin: germline.
Comment: This variant was observed as part of a predisposition screen in an ostensibly healthy population. A literature search was performed for the gene, cDNA change, and amino acid change (where applicable). Publications were found based on this search. The evidence from the literature, in combination with allele frequency data from public databases where available, was sufficient to determine this variant is unlikely to cause disease. Therefore, this variant is classified as likely benign.

Natera, Inc.
Classification: Likely benign for Leber congenital amaurosis. Last evaluated: 2020-02-13. Review status: no assertion criteria provided. Collection method: clinical testing. Allele origin: germline. Not counted in ClinVar's aggregate classification.

PreventionGenetics, part of Exact Sciences
Classification: Benign for CRB1-related condition. Last evaluated: 2019-08-09. Review status: no assertion criteria provided. Collection method: clinical testing. Allele origin: germline. Not counted in ClinVar's aggregate classification.
Comment: This variant is classified as benign based on ACMG/AMP sequence variant interpretation guidelines (Richards et al. 2015 PMID: 25741868, with internal and published modifications).

Literature cited by the submitters: PubMed 24938718 (cited by Institute of Human Genetics, Univ. Regensburg, Univ. Regensburg); PubMed 3105428 (cited by Institute of Human Genetics, Univ. Regensburg, Univ. Regensburg); PubMed 21602930 (cited by Illumina Laboratory Services, Illumina).